The following is an entry in ClinVar:

NM_000152.5(GAA):c.1581G>A (p.Arg527=)

Gene: GAA (alpha glucosidase; plus strand). Cytogenetic location: 17q25.3.
Variant type: single nucleotide variant.
Coding change: c.1581G>A on transcript NM_000152.5 (MANE Select); coding-DNA position 1581, G replaced by A.
Protein change: p.Arg527=; no amino-acid change (arginine 527 retained).
Molecular consequence: synonymous variant.
Genome position (GRCh38, 1-based): chr17:80,110,970, G>A. VCF-style: chr17-80110970-G-A. GRCh37 (hg19) VCF-style: chr17-78084769-G-A.
Other names: c.1581G>A, p.(=) (LRG_673t1); c.1581G>A, p.Arg527= (NM_001079803.3, NM_001079804.3).
Identifiers: ClinVar variation 92466 (VCV000092466.35), dbSNP rs1042396, ClinGen allele CA145757.

ClinVar aggregate classification (germline): Benign. Review status: criteria provided, multiple submitters, no conflicts (2 of 4 stars). 16 submissions from 16 submitters: Benign (11). 5 of the submissions do not count toward it. Last evaluated 2026-02-04.

Conditions:
Glycogen storage disease, type II (IOPD). Also called: POMPE DISEASE, INFANTILE-ONSET; GLYCOGEN STORAGE DISEASE II, INFANTILE-ONSET; ACID ALPHA-GLUCOSIDASE DEFICIENCY, INFANTILE-ONSET; GAA DEFICIENCY, INFANTILE-ONSET; ACID MALTASE DEFICIENCY, INFANTILE-ONSET; Glucosidase acid-1,4-alpha deficiency. Identifiers: Orphanet 365, MedGen C0017921, MONDO:0009290, OMIM 232300.
Cardiovascular phenotype. Identifiers: MedGen CN230736.

Allele frequency attached by ClinVar (database versions not stated): 1000 Genomes Project 30x 0.15943; 1000 Genomes Project 0.15954; TOPMed 0.19867; gnomAD 0.20175 and 0.20316; ESP Exome Variant Server 0.20936; ExAC 0.23091; gnomAD exomes 0.23159 and 0.26352.
gnomAD v4.1: 415,305 of 1,613,658 alleles (26%); highest among the groups gnomAD compares: Non-Finnish European, 28%; 56,191 homozygotes.

Submissions (16):

Labcorp Genetics (formerly Invitae), Labcorp
Classification: Benign for Glycogen storage disease, type II. Last evaluated: 2026-02-04. Review status: criteria provided, single submitter. Criteria: Invitae Variant Classification Sherloc (09022015). Collection method: clinical testing. Allele origin: germline.

Blueprint Genetics
Classification: Benign. Last evaluated: 2024-11-28. Review status: criteria provided, single submitter. Criteria: ACMG Guidelines, 2015. Collection method: clinical testing. Allele origin: germline.

Genome-Nilou Lab
Classification: Benign for Glycogen storage disease, type II. Last evaluated: 2021-06-10. Review status: criteria provided, single submitter. Criteria: ACMG Guidelines, 2015. Collection method: clinical testing. Allele origin: germline. Affected: no.

Ambry Genetics
Classification: Benign for Cardiovascular phenotype. Last evaluated: 2018-12-11. Review status: criteria provided, single submitter. Criteria: Ambry Variant Classification Scheme 2023. Collection method: clinical testing. Allele origin: germline.

Eurofins Ntd Llc (ga)
Classification: Benign. Last evaluated: 2018-09-04. Review status: criteria provided, single submitter. Criteria: EGL ClinVar v180209 classification definitions. Collection method: clinical testing. Allele origin: germline. Observed: 53 variant alleles, 45 heterozygotes, 8 homozygotes.

Illumina Laboratory Services, Illumina
Classification: Benign for Glycogen storage disease, type II. Last evaluated: 2018-01-12. Review status: criteria provided, single submitter. Criteria: ICSL Variant Classification Criteria 13 December 2019. Collection method: clinical testing. Allele origin: germline.
Comment: This variant was observed in the ICSL laboratory as part of a predisposition screen in an ostensibly healthy population. It had not been previously curated by ICSL or reported in the Human Gene Mutation Database (HGMD: prior to June 1st, 2018), and was therefore a candidate for classification through an automated scoring system. Utilizing variant allele frequency, disease prevalence and penetrance estimates, and inheritance mode, an automated score was calculated to assess if this variant is too frequent to cause the disease. Based on the score and internal cut-off values, a variant classified as benign is not then subjected to further curation. The score for this variant resulted in a classification of benign for this disease.

Phosphorus, Inc.
Classification: Benign for Glycogen storage disease, type II. Last evaluated: 2017-08-01. Review status: criteria provided, single submitter. Criteria: ACMG Guidelines, 2015. Collection method: clinical testing. Allele origin: germline. Observed: 11 variant alleles.

GeneDx
Classification: Benign. Last evaluated: 2015-03-03. Review status: criteria provided, single submitter. Criteria: GeneDx Variant Classification Process June 2021. Collection method: clinical testing. Allele origin: germline. Affected: yes.

Genetic Services Laboratory, University of Chicago
Classification: Benign for AllHighlyPenetrant. Last evaluated: 2013-08-15. Review status: criteria provided, single submitter. Criteria: ACMG Guidelines, 2007. Collection method: clinical testing. Allele origin: germline. Inheritance: Autosomal recessive inheritance.

Breakthrough Genomics
Classification: Benign. Review status: criteria provided, single submitter. Criteria: ACMG Guidelines, 2015. Collection method: not provided. Allele origin: germline. Inheritance: Autosomal recessive inheritance. Affected: yes.

PreventionGenetics, part of Exact Sciences
Classification: Benign. Review status: criteria provided, single submitter. Criteria: ACMG Guidelines, 2015. Collection method: clinical testing. Allele origin: germline.

Natera, Inc.
Classification: Benign for Glycogen storage disease type II. Last evaluated: 2019-11-20. Review status: no assertion criteria provided. Collection method: clinical testing. Allele origin: germline. Not counted in ClinVar's aggregate classification.

Mayo Clinic Laboratories, Mayo Clinic
Classification: Benign. Last evaluated: 2015-10-19. Review status: no assertion criteria provided. Collection method: clinical testing. Allele origin: unknown. Not counted in ClinVar's aggregate classification.

Clinical Genetics DNA and cytogenetics Diagnostics Lab, Erasmus MC, Erasmus Medical Center
Classification: Benign. Review status: no assertion criteria provided. Collection method: clinical testing. Allele origin: germline. Affected: yes. Study: VKGL Data-share Consensus. Not counted in ClinVar's aggregate classification.

Diagnostic Laboratory, Department of Genetics, University Medical Center Groningen
Classification: Benign for Glycogen storage disease, type II. Review status: no assertion criteria provided. Collection method: clinical testing. Allele origin: germline. Affected: yes. Study: VKGL Data-share Consensus. Not counted in ClinVar's aggregate classification.

Genome Diagnostics Laboratory, University Medical Center Utrecht
Classification: Benign. Review status: no assertion criteria provided. Collection method: clinical testing. Allele origin: germline. Affected: yes. Study: VKGL Data-share Consensus. Not counted in ClinVar's aggregate classification.

Literature cited by the submitters: PubMed 18414213 (cited by Phosphorus, Inc.); PubMed 23757202 (cited by Phosphorus, Inc.).